The following is an entry in ClinVar:

NM_000443.4(ABCB4):c.233T>G (p.Phe78Cys)

Gene: ABCB4 (ATP binding cassette subfamily B member 4; minus strand). Cytogenetic location: 7q21.12.
Variant type: single nucleotide variant.
Coding change: c.233T>G on transcript NM_000443.4 (MANE Select); coding-DNA position 233, T replaced by G.
Protein change: p.Phe78Cys; replaces phenylalanine 78 with cysteine.
Molecular consequence: missense variant.
Genome position (GRCh38, 1-based): chr7:87,462,811, A>C on the plus strand (T>G on the coding strand, the complement: ABCB4 is on the minus strand). VCF-style: chr7-87462811-A-C. GRCh37 (hg19) VCF-style: chr7-87092127-A-C.
Other names: c.233T>G, p.Phe78Cys (NM_018849.3, NM_018850.3); short protein forms F78C.
Identifiers: ClinVar variation 3336593 (VCV003336593.2).
Genomic context (GRCh38, chr7:87,462,811, plus strand): 5'-TGCTTACCTGGAAAGGAGAAGTTTCCTGCAGTATCAACAAATTTGTCAGTCATCTCTCCA[A>C]ATACTATCATCATGAGGGGGAGACCTGATCCGTGAGCTATGGCCATGATGGTACCCAGCG-3'
Protein context (NP_000434.1, residues 68-88): GSGLPLMMIV[Phe78Cys]GEMTDKFVDT

ClinVar aggregate classification (germline): Uncertain significance. Review status: criteria provided, multiple submitters, no conflicts (2 of 4 stars). 2 submissions from 2 submitters: Uncertain significance (2). Last evaluated 2026-04-14.

Conditions:
Low phospholipid associated cholelithiasis (GBD1). Also called: Gallstone cholecystitis; Gallbladder disease 1. Identifiers: Orphanet 69663, MedGen C2609268, MONDO:0010939, OMIM 600803.

gnomAD v4.1: 19 of 1,613,886 alleles (0.0012%); highest among the groups gnomAD compares: Non-Finnish European, 0.0015%; no homozygotes.

Submissions (2):

Genomenon, Inc
Classification: Uncertain significance for Low phospholipid associated cholelithiasis. Last evaluated: 2026-04-14. Review status: criteria provided, single submitter. Criteria: Genomenon Sequence Variant Interpretation Standards - Updated. Collection method: curation. Allele origin: germline. Affected: yes.
Comment: ABCB4 p.Phe78Cys (c.233T>G) is a missense variant that changes the amino acid at residue 78 from Phenylalanine to Cysteine. This variant has been observed in at least one proband with an ABCB4-related disorder (PMID:23533021). It is absent or not present at a significant frequency in gnomAD. In silico models predict that this variant is possibly or probably damaging. In conclusion, we classify ABCB4 p.Phe78Cys (c.233T>G) as a variant of uncertain significance.

Women's Health and Genetics/Laboratory Corporation of America, LabCorp
Classification: Uncertain significance. Last evaluated: 2024-05-30. Review status: criteria provided, single submitter. Criteria: LabCorp Variant Classification Summary - May 2015. Collection method: clinical testing. Allele origin: germline.
Comment: Variant summary: ABCB4 c.233T>G (p.Phe78Cys) results in a non-conservative amino acid change located in the ABC transporter type 1, transmembrane domain (IPR011527) of the encoded protein sequence. Five of five in-silico tools predict a damaging effect of the variant on protein function. The variant allele was found at a frequency of 4e-06 in 251370 control chromosomes. The available data on variant occurrences in the general population are insufficient to allow any conclusion about variant significance. c.233T>G has been reported in the literature in the compound heterozygous state in at least 1 individual affected with low-phospholipid-associated cholelithiasis syndrome and intrahepatic cholestasis of pregnancy (example, Poupon_2013). This report does not provide unequivocal conclusions about association of the variant with Familial Intrahepatic Cholestasis. To our knowledge, no experimental evidence demonstrating an impact on protein function has been reported. The following publication has been ascertained in the context of this evaluation (PMID: 23533021). No submitters have cited clinical-significance assessments for this variant to ClinVar. Based on the evidence outlined above, the variant was classified as uncertain significance.

Literature cited by the submitters: PubMed 23533021 (cited by Genomenon, Inc and Women's Health and Genetics/Laboratory Corporation of America, LabCorp).